The following is an entry in ClinVar:

NM_000088.4(COL1A1):c.2344-7C>T

Gene: COL1A1 (collagen type I alpha 1 chain; minus strand). Cytogenetic location: 17q21.33.
Variant type: single nucleotide variant.
Coding change: c.2344-7C>T on transcript NM_000088.4 (MANE Select); 7 bases into the intron before coding-DNA position 2344, C replaced by T.
Molecular consequence: intron variant.
Genome position (GRCh38, 1-based): chr17:50,190,603, G>A on the plus strand (C>T on the coding strand, the complement: COL1A1 is on the minus strand). VCF-style: chr17-50190603-G-A. GRCh37 (hg19) VCF-style: chr17-48267964-G-A.
Identifiers: ClinVar variation 509632 (VCV000509632.4), dbSNP rs1031284183, ClinGen allele CA291543408.
Genomic context (GRCh38, chr17:50,190,603, plus strand): 5'-GGGGGCACCACGAGCTCCAGTGGGACCAGCAGGGCCGCTGGGACCACTTTCACCCTGAGA[G>A]CAAGGGACAAGAGGCTCAGGGTCAGGGCCTCCCCTGAATACTCCTAGTAGATGACCCCAG-3'

ClinVar aggregate classification (germline): Likely benign. Review status: criteria provided, multiple submitters, no conflicts (2 of 4 stars). 2 submissions from 2 submitters: Likely benign (2). Last evaluated 2018-06-26.

Allele frequency attached by ClinVar (database versions not stated): gnomAD exomes below 0.00001; TOPMed 0.00001.

Submissions (2):

Labcorp Genetics (formerly Invitae), Labcorp
Classification: Likely benign. Last evaluated: 2018-06-26. Review status: criteria provided, single submitter. Criteria: Invitae Variant Classification Sherloc (09022015). Collection method: clinical testing. Allele origin: germline.

GeneDx
Classification: Likely benign. Last evaluated: 2017-05-17. Review status: criteria provided, single submitter. Criteria: GeneDx Variant Classification (06012015). Collection method: clinical testing. Allele origin: germline. Affected: yes.
Comment: This variant is considered likely benign or benign based on one or more of the following criteria: it is a conservative change, it occurs at a poorly conserved position in the protein, it is predicted to be benign by multiple in silico algorithms, and/or has population frequency not consistent with disease.